The following is an entry in ClinVar:

ClinVar aggregate classification (germline): Likely benign. Review status: criteria provided, multiple submitters, no conflicts (2 of 4 stars). 2 submissions from 2 submitters: Likely benign (2). Last evaluated 2025-07-07.

Conditions:
Pitt-Hopkins syndrome (PTHS). Also called: ENCEPHALOPATHY, SEVERE EPILEPTIC, WITH AUTONOMIC DYSFUNCTION; MENTAL RETARDATION, SYNDROMAL, WITH INTERMITTENT HYPERVENTILATION. Identifiers: Orphanet 2896, MedGen C1970431, MONDO:0012589, OMIM 610954.

Allele frequency attached by ClinVar (database versions not stated): gnomAD exomes 0.00002 and 0.00003; ExAC 0.00005; gnomAD 0.00009; TOPMed 0.00012; ESP Exome Variant Server 0.00015; 1000 Genomes Project 30x 0.00016; 1000 Genomes Project 0.00020.
gnomAD v4.1: 39 of 1,595,082 alleles (0.0024%); highest among the groups gnomAD compares: African/African-American, 0.021%; no homozygotes.

Submissions (2):

Labcorp Genetics (formerly Invitae), Labcorp
Classification: Likely benign for Pitt-Hopkins syndrome. Last evaluated: 2025-07-07. Review status: criteria provided, single submitter. Criteria: Invitae Variant Classification Sherloc (09022015). Collection method: clinical testing. Allele origin: germline.

GeneDx
Classification: Likely benign. Last evaluated: 2017-11-13. Review status: criteria provided, single submitter. Criteria: GeneDx Variant Classification (06012015). Collection method: clinical testing. Allele origin: germline. Affected: yes.
Comment: This variant is considered likely benign or benign based on one or more of the following criteria: it is a conservative change, it occurs at a poorly conserved position in the protein, it is predicted to be benign by multiple in silico algorithms, and/or has population frequency not consistent with disease.

NM_001083962.2(TCF4):c.1147-17C>A

Gene: TCF4 (transcription factor 4; minus strand). Cytogenetic location: 18q21.2.
Variant type: single nucleotide variant.
Coding change: c.1147-17C>A on transcript NM_001083962.2 (MANE Select); 17 bases into the intron before coding-DNA position 1147, C replaced by A.
Molecular consequence: intron variant.
Genome position (GRCh38, 1-based): chr18:55,254,717, G>T on the plus strand (C>A on the coding strand, the complement: TCF4 is on the minus strand). VCF-style: chr18-55254717-G-T. GRCh37 (hg19) VCF-style: chr18-52921948-G-T.
Other names: c.1453-17C>A (NM_001243226.3); c.1072-17C>A (NM_001369584.1, NM_001369576.1, NM_001369577.1 and 6 more transcripts); c.1075-17C>A (NM_001369582.1, NM_001243227.2, NM_001369583.1 and 5 more transcripts); c.1078-17C>A (NM_001369586.1); c.1147-17C>A (NM_001369571.1, NM_001369567.1, NM_001369572.1 and 2 more transcripts); c.1165-17C>A (NM_001243228.2); c.1138-17C>A (NM_001243230.2); c.1144-17C>A (NM_001369569.1, NM_001369573.1, NM_001369570.1 and 2 more transcripts); and 6 more.
Identifiers: ClinVar variation 517022 (VCV000517022.9), dbSNP rs375777217, ClinGen allele CA8970254.